The following is an entry in ClinVar:

NM_001267550.2(TTN):c.69536_69543dup (p.Lys23182fs)

Genes: TTN (titin; minus strand), TTN-AS1 (TTN antisense RNA 1; plus strand). Cytogenetic location: 2q31.2.
Variant type: Duplication.
Coding change: c.69536_69543dup on transcript NM_001267550.2 (MANE Select); coding-DNA positions 69536 to 69543, 8 bases duplicated (GAGAAAAG; older notation c.69536_69543dupGAGAAAAG).
Protein change: p.Lys23182fs; shifts the reading frame from lysine 23182.
Molecular consequence: frameshift variant.
Genome position (GRCh38, 1-based): chr2:178,576,701-178,576,708, CTTTTCTC duplicated on the plus strand (GAGAAAAG on the coding strand, the reverse complement: TTN is on the minus strand). VCF-style (leftmost placement, unchanged base first): chr2-178576700-T-TCTTTTCTC. GRCh37 (hg19) VCF-style: chr2-179441427-T-TCTTTTCTC.
Other names: c.64613_64620dup, p.Lys21541fs (NM_001256850.1); c.42341_42348dup, p.Lys14117fs (NM_003319.4); c.61832_61839dup, p.Lys20614fs (NM_133378.4); c.42716_42723dup, p.Lys14242fs (NM_133432.3); c.42917_42924dup, p.Lys14309fs (NM_133437.4); c.42341_42348dupGAGAAAAG (NM_003319.4); short protein forms K14117fs, K20614fs, K23182fs, K21541fs, K14242fs, K14309fs.
Identifiers: ClinVar variation 1738930 (VCV001738930.2), dbSNP rs2468743550, ClinGen allele CA2580064940.

ClinVar aggregate classification (germline): Likely pathogenic (1 of 4 stars; one submission).

Conditions:
Cardiovascular phenotype. Identifiers: MedGen CN230736.

Submission:

Ambry Genetics
Classification: Likely pathogenic for Cardiovascular phenotype. Last evaluated: 2022-02-20. Review status: criteria provided, single submitter. Criteria: Ambry Variant Classification Scheme 2023. Collection method: clinical testing. Allele origin: germline.
Comment: The c.42341_42348dupGAGAAAAG variant, located in coding exon 152 of the TTN gene, results from a duplication of GAGAAAAG at nucleotide position 42341, causing a translational frameshift with a predicted alternate stop codon (p.K14117Efs*9). This exon is located in the A-band region of the N2-B isoform of the titin protein and is constitutively expressed in TTN transcripts (percent spliced in or PSI 100%). This variant is considered to be rare based on population cohorts in the Genome Aggregation Database (gnomAD). This alteration is expected to result in loss of function by premature protein truncation or nonsense-mediated mRNA decay. While truncating variants in TTN are present in 1-3% of the general population, truncating variants in the A-band are the most common cause of dilated cardiomyopathy (DCM) (Herman DS et al. N. Engl. J. Med., 2012 Feb;366:619-28; Roberts AM et al. Sci Transl Med, 2015 Jan;7:270ra6). TTN truncating variants encoded in constitutive exons (PSI >90%) have been found to be significantly associated with DCM regardless of their position in titin (Schafer S et al. Nat. Genet., 2017 01;49:46-53). As such, this alteration is classified as likely pathogenic.